The following is an entry in ClinVar:

NM_003718.5(CDK13):c.4216G>T (p.Gly1406Ter)

Gene: CDK13 (cyclin dependent kinase 13; plus strand). Cytogenetic location: 7p14.1.
Variant type: single nucleotide variant.
Coding change: c.4216G>T on transcript NM_003718.5 (MANE Select); coding-DNA position 4216, G replaced by T.
Protein change: p.Gly1406Ter; replaces glycine 1406 with a stop codon.
Molecular consequence: nonsense.
Genome position (GRCh38, 1-based): chr7:40,094,657, G>T. VCF-style: chr7-40094657-G-T. GRCh37 (hg19) VCF-style: chr7-40134256-G-T.
Other names: c.4036G>T, p.Gly1346Ter (NM_031267.4); short protein forms G1346*, G1406*.
Identifiers: ClinVar variation 3672295 (VCV003672295.2).

ClinVar aggregate classification (germline): Uncertain significance (1 of 4 stars; one submission).

Submission:

Labcorp Genetics (formerly Invitae), Labcorp
Classification: Uncertain significance. Last evaluated: 2024-10-28. Review status: criteria provided, single submitter. Criteria: Invitae Variant Classification Sherloc (09022015). Collection method: clinical testing. Allele origin: germline.
Comment: This sequence change creates a premature translational stop signal (p.Gly1406*) in the CDK13 gene. While this is not anticipated to result in nonsense mediated decay, it is expected to disrupt the last 107 amino acid(s) of the CDK13 protein. This variant is not present in population databases (gnomAD no frequency). This variant has not been reported in the literature in individuals affected with CDK13-related conditions. Experimental studies and prediction algorithms are not available or were not evaluated, and the functional significance of this variant is currently unknown. In summary, the available evidence is currently insufficient to determine the role of this variant in disease. Therefore, it has been classified as a Variant of Uncertain Significance.